The following is an entry in ClinVar:

ClinVar aggregate classification (germline): Uncertain significance. Review status: criteria provided, multiple submitters, no conflicts (2 of 4 stars). 3 submissions from 3 submitters: Uncertain significance (3). Last evaluated 2025-04-03.

Conditions:
Endometrial carcinoma. Also called: Endometrial carcinoma, somatic. Identifiers: MedGen C0476089, MONDO:0002447, OMIM 608089, HP:0012114.
Colorectal cancer. Also called: Colorectal cancer, somatic; Malignant Colorectal Neoplasm. Identifiers: MedGen C0346629, MONDO:0005575, OMIM 114500.
Colorectal cancer, hereditary nonpolyposis, type 7. Identifiers: Orphanet 144, MedGen C1858380, MONDO:0013725, OMIM 614385.

Allele frequency attached by ClinVar (database versions not stated): gnomAD exomes below 0.00001.
gnomAD v4.1: 2 of 1,613,852 alleles (0.00012%); highest among the groups gnomAD compares: Non-Finnish European, 0.00017%; no homozygotes.

Submissions (3):

Labcorp Genetics (formerly Invitae), Labcorp
Classification: Uncertain significance for Colorectal cancer, hereditary nonpolyposis, type 7. Last evaluated: 2025-04-03. Review status: criteria provided, single submitter. Criteria: Invitae Variant Classification Sherloc (09022015). Collection method: clinical testing. Allele origin: germline.
Comment: This sequence change replaces leucine, which is neutral and non-polar, with proline, which is neutral and non-polar, at codon 1219 of the MLH3 protein (p.Leu1219Pro). This variant is not present in population databases (gnomAD no frequency). This variant has not been reported in the literature in individuals affected with MLH3-related conditions. ClinVar contains an entry for this variant (Variation ID: 1733629). An algorithm developed to predict the effect of missense changes on protein structure and function (PolyPhen-2) suggests that this variant is likely to be disruptive. In summary, the available evidence is currently insufficient to determine the role of this variant in disease. Therefore, it has been classified as a Variant of Uncertain Significance.

Ambry Genetics
Classification: Uncertain significance. Last evaluated: 2024-06-29. Review status: criteria provided, single submitter. Criteria: Ambry Variant Classification Scheme 2023. Collection method: clinical testing. Allele origin: germline.
Comment: The p.L1219P variant (also known as c.3656T>C), located in coding exon 6 of the MLH3 gene, results from a T to C substitution at nucleotide position 3656. The leucine at codon 1219 is replaced by proline, an amino acid with similar properties. This amino acid position is conserved. In addition, this alteration is predicted to be deleterious by in silico analysis. Since supporting evidence is limited at this time, the clinical significance of this alteration remains unclear.

Fulgent Genetics
Classification: Uncertain significance for Colorectal cancer; Endometrial carcinoma; Colorectal cancer, hereditary nonpolyposis, type 7. Last evaluated: 2024-06-08. Review status: criteria provided, single submitter. Criteria: ACMG Guidelines, 2015. Collection method: clinical testing. Allele origin: germline.

NM_001040108.2(MLH3):c.3656T>C (p.Leu1219Pro)

Gene: MLH3 (mutL homolog 3; minus strand). Cytogenetic location: 14q24.3.
Variant type: single nucleotide variant.
Coding change: c.3656T>C on transcript NM_001040108.2 (MANE Select); coding-DNA position 3656, T replaced by C.
Protein change: p.Leu1219Pro; replaces leucine 1219 with proline.
Molecular consequence: missense variant. On other transcripts: intron variant (1).
Genome position (GRCh38, 1-based): chr14:75,033,478, A>G on the plus strand (T>C on the coding strand, the complement: MLH3 is on the minus strand). VCF-style: chr14-75033478-A-G. GRCh37 (hg19) VCF-style: chr14-75500181-A-G.
Other names: c.3644-1299T>C (NM_014381.3); short protein forms L1219P.
Identifiers: ClinVar variation 1733629 (VCV001733629.5), dbSNP rs1891186701, ClinGen allele CA390425467.